The following is an entry in ClinVar:

NM_004655.4(AXIN2):c.2478G>T (p.Thr826=)

Gene: AXIN2 (axin 2; minus strand). Cytogenetic location: 17q24.1.
Variant type: single nucleotide variant.
Coding change: c.2478G>T on transcript NM_004655.4 (MANE Select); coding-DNA position 2478, G replaced by T.
Protein change: p.Thr826=; no amino-acid change (threonine 826 retained).
Molecular consequence: synonymous variant.
Genome position (GRCh38, 1-based): chr17:65,530,030, C>A on the plus strand (G>T on the coding strand, the complement: AXIN2 is on the minus strand). VCF-style: chr17-65530030-C-A. GRCh37 (hg19) VCF-style: chr17-63526148-C-A.
Other names: c.2283G>T, p.Thr761= (NM_001363813.1).
Identifiers: ClinVar variation 747399 (VCV000747399.20), dbSNP rs148159432, ClinGen allele CA8718282.

ClinVar aggregate classification (germline): Benign/Likely benign. Review status: criteria provided, multiple submitters, no conflicts (2 of 4 stars). 7 submissions from 7 submitters: Benign (1); Likely benign (5). 1 of the submissions does not count toward it. Last evaluated 2025-11-10.

Conditions:
Hereditary cancer-predisposing syndrome. Also called: Tumor predisposition; Hereditary neoplastic syndrome; Neoplastic Syndromes, Hereditary; Hereditary Cancer Syndrome. Identifiers: Orphanet 140162, MedGen C0027672, MeSH D009386, MONDO:0015356.
Oligodontia-cancer predisposition syndrome. Also called: TOOTH AGENESIS-COLORECTAL CANCER SYNDROME. Identifiers: Orphanet 300576, MedGen C1837750, MONDO:0012075, OMIM 608615. Disease mechanism: loss of function.
AXIN2-related disorder.

Allele frequency attached by ClinVar (database versions not stated): TOPMed 0.00005; gnomAD 0.00006; ESP Exome Variant Server 0.00008; 1000 Genomes Project 30x 0.00016; 1000 Genomes Project 0.00020.
gnomAD v4.1: 19 of 1,614,208 alleles (0.0012%); highest among the groups gnomAD compares: African/African-American, 0.02%; no homozygotes.

Submissions (7):

Labcorp Genetics (formerly Invitae), Labcorp
Classification: Likely benign for Oligodontia-cancer predisposition syndrome. Last evaluated: 2025-11-10. Review status: criteria provided, single submitter. Criteria: Invitae Variant Classification Sherloc (09022015). Collection method: clinical testing. Allele origin: germline.

Myriad Genetics, Inc.
Classification: Benign for Oligodontia-cancer predisposition syndrome. Last evaluated: 2024-07-11. Review status: criteria provided, single submitter. Criteria: Myriad Autosomal Dominant, Autosomal Recessive and X-Linked Classification Criteria (2023). Collection method: clinical testing. Allele origin: unknown.
Comment: This variant is considered benign. This variant is a silent/synonymous amino acid change and it is not expected to impact splicing.

Blueprint Genetics
Classification: Likely benign. Last evaluated: 2023-05-04. Review status: criteria provided, single submitter. Criteria: ACMG Guidelines, 2015. Collection method: clinical testing. Allele origin: germline.

Ambry Genetics
Classification: Likely benign for Hereditary cancer-predisposing syndrome. Last evaluated: 2020-07-27. Review status: criteria provided, single submitter. Criteria: Ambry Variant Classification Scheme 2023. Collection method: clinical testing. Allele origin: germline.

Women's Health and Genetics/Laboratory Corporation of America, LabCorp
Classification: Likely benign. Last evaluated: 2020-01-31. Review status: criteria provided, single submitter. Criteria: LabCorp Variant Classification Summary - May 2015. Collection method: clinical testing. Allele origin: germline.

GeneDx
Classification: Likely benign. Last evaluated: 2019-10-02. Review status: criteria provided, single submitter. Criteria: GeneDx Variant Classification Process June 2021. Collection method: clinical testing. Allele origin: germline. Affected: yes.

PreventionGenetics, part of Exact Sciences
Classification: Likely benign for AXIN2-related condition. Last evaluated: 2022-03-31. Review status: no assertion criteria provided. Collection method: clinical testing. Allele origin: germline. Not counted in ClinVar's aggregate classification.
Comment: This variant is classified as likely benign based on ACMG/AMP sequence variant interpretation guidelines (Richards et al. 2015 PMID: 25741868, with internal and published modifications).